The following is an entry in ClinVar:

NM_015135.3(NUP205):c.3782C>G (p.Thr1261Ser)

Gene: NUP205 (nucleoporin 205; plus strand). Cytogenetic location: 7q33.
Variant type: single nucleotide variant.
Coding change: c.3782C>G on transcript NM_015135.3 (MANE Select); coding-DNA position 3782, C replaced by G.
Protein change: p.Thr1261Ser; replaces threonine 1261 with serine.
Molecular consequence: missense variant.
Genome position (GRCh38, 1-based): chr7:135,618,422, C>G. VCF-style: chr7-135618422-C-G. GRCh37 (hg19) VCF-style: chr7-135303170-C-G.
Other names: c.2708C>G, p.Thr903Ser (NM_001329434.2); short protein forms T1261S, T903S.
Identifiers: ClinVar variation 2174348 (VCV002174348.4), dbSNP rs374738397, ClinGen allele CA4498725.

ClinVar aggregate classification (germline): Uncertain significance (1 of 4 stars; one submission).

Allele frequency attached by ClinVar (database versions not stated): ExAC 0.00001; gnomAD 0.00001; TOPMed 0.00001; ESP Exome Variant Server 0.00008.
gnomAD v4.1: 1 of 1,613,848 alleles (0.000062%); highest among the groups gnomAD compares: Non-Finnish European, 0.000085%; no homozygotes.

Submission:

Labcorp Genetics (formerly Invitae), Labcorp
Classification: Uncertain significance. Last evaluated: 2024-06-03. Review status: criteria provided, single submitter. Criteria: Invitae Variant Classification Sherloc (09022015). Collection method: clinical testing. Allele origin: germline.
Comment: This sequence change replaces threonine, which is neutral and polar, with serine, which is neutral and polar, at codon 1261 of the NUP205 protein (p.Thr1261Ser). This variant is not present in population databases (gnomAD no frequency). This variant has not been reported in the literature in individuals affected with NUP205-related conditions. ClinVar contains an entry for this variant (Variation ID: 2174348). Advanced modeling of protein sequence and biophysical properties (such as structural, functional, and spatial information, amino acid conservation, physicochemical variation, residue mobility, and thermodynamic stability) performed at Invitae indicates that this missense variant is not expected to disrupt NUP205 protein function with a negative predictive value of 80%. In summary, the available evidence is currently insufficient to determine the role of this variant in disease. Therefore, it has been classified as a Variant of Uncertain Significance.